The following is an entry in ClinVar:

NM_006208.3(ENPP1):c.991G>A (p.Gly331Arg)

Gene: ENPP1 (ectonucleotide pyrophosphatase/phosphodiesterase 1; plus strand). Cytogenetic location: 6q23.2.
Variant type: single nucleotide variant.
Coding change: c.991G>A on transcript NM_006208.3 (MANE Select); coding-DNA position 991, G replaced by A.
Protein change: p.Gly331Arg; replaces glycine 331 with arginine.
Molecular consequence: missense variant.
Genome position (GRCh38, 1-based): chr6:131,861,670, G>A. VCF-style: chr6-131861670-G-A. GRCh37 (hg19) VCF-style: chr6-132182810-G-A.
Other names: short protein forms G331R.
Identifiers: ClinVar variation 4748366 (VCV004748366.1).

ClinVar aggregate classification (germline): Uncertain significance (1 of 4 stars; one submission).

gnomAD v4.1: 21 of 1,612,692 alleles (0.0013%); highest among the groups gnomAD compares: Admixed American, 0.0017%; no homozygotes.

Submission:

Labcorp Genetics (formerly Invitae), Labcorp
Classification: Uncertain significance. Last evaluated: 2025-04-17. Review status: criteria provided, single submitter. Criteria: Invitae Variant Classification Sherloc (09022015). Collection method: clinical testing. Allele origin: germline.
Comment: This sequence change replaces glycine, which is neutral and non-polar, with arginine, which is basic and polar, at codon 331 of the ENPP1 protein (p.Gly331Arg). This variant is present in population databases (rs543043974, gnomAD 0.003%). This variant has not been reported in the literature in individuals affected with ENPP1-related conditions. An algorithm developed to predict the effect of missense changes on protein structure and function (PolyPhen-2) suggests that this variant is likely to be disruptive. In summary, the available evidence is currently insufficient to determine the role of this variant in disease. Therefore, it has been classified as a Variant of Uncertain Significance.